The following is an entry in ClinVar:

ClinVar aggregate classification (germline): Pathogenic. Review status: criteria provided, multiple submitters, no conflicts (2 of 4 stars). 11 submissions from 11 submitters: Pathogenic (8). 3 of the submissions do not count toward it. Last evaluated 2026-01-19.

Conditions:
Osteogenesis imperfecta with normal sclerae, dominant form (OI4). Also called: OSTEOGENESIS IMPERFECTA WITH NORMAL SCLERAE; Osteogenesis imperfecta type 4; OSTEOGENESIS IMPERFECTA, TYPE IV, WITH DENTINOGENESIS IMPERFECTA; Common Variable Osteogenesis Imperfecta with Normal Sclerae; Osteogenesis Imperfecta Type IV. Identifiers: Orphanet 216820, Orphanet 666, MedGen C0268363, MONDO:0008148, OMIM 166220.
COL1A1-related disorder. Also called: COL1A1-related condition; COL1A1- related disease.
Osteogenesis imperfecta (OI). Identifiers: Orphanet 666, MedGen C0029434, MeSH D010013, MONDO:0019019.
Osteogenesis imperfecta type I (OI1). Also called: OI, TYPE I; OSTEOGENESIS IMPERFECTA TARDA; OSTEOGENESIS IMPERFECTA WITH BLUE SCLERAE; Osteogenesis imperfecta type 1; Classic Non-deforming Osteogenesis Imperfecta with Blue Sclerae; Lobstein's Disease. Identifiers: Orphanet 216796, Orphanet 666, MedGen C0023931, MONDO:0008146, OMIM 166200. Disease mechanism: loss of function.
Osteogenesis imperfecta, perinatal lethal (OI2). Also called: OI, TYPE II; OSTEOGENESIS IMPERFECTA CONGENITA; VROLIK TYPE OF OSTEOGENESIS IMPERFECTA; OSTEOGENESIS IMPERFECTA, TYPE II; Osteogenesis imperfecta, dominant perinatal lethal; Osteogenesis imperfecta type 2. Identifiers: Orphanet 216804, MedGen C0268358, MONDO:0008147, OMIM 166210.

gnomAD v4.1: 2 of 1,613,754 alleles (0.00012%); highest among the groups gnomAD compares: Non-Finnish European, 0.000085%; no homozygotes.

Submissions (11):

Labcorp Genetics (formerly Invitae), Labcorp
Classification: Pathogenic for Osteogenesis imperfecta type I. Last evaluated: 2026-01-19. Review status: criteria provided, single submitter. Criteria: Invitae Variant Classification Sherloc (09022015). Collection method: clinical testing. Allele origin: germline.
Comment: This sequence change creates a premature translational stop signal (p.Arg361*) in the COL1A1 gene. It is expected to result in an absent or disrupted protein product. Loss-of-function variants in COL1A1 are known to be pathogenic (PMID: 7942841, 9295084, 9443882). This variant is not present in population databases (gnomAD no frequency). This premature translational stop signal has been observed in individual(s) with osteogenesis imperfecta type I (PMID: 9443882, 12590186, 15024745, 18311573, 21667357, 22570641). ClinVar contains an entry for this variant (Variation ID: 425593). For these reasons, this variant has been classified as Pathogenic.

3billion
Classification: Pathogenic for Osteogenesis imperfecta type I. Last evaluated: 2025-06-19. Review status: criteria provided, single submitter. Criteria: ACMG Guidelines, 2015. Collection method: clinical testing. Allele origin: germline. Affected: yes.
Comment: The variant is observed at an extremely low frequency in the gnomAD v4.1.0 dataset (total allele frequency: <0.001%). Predicted Consequence/Location: Stop-gained (nonsense): predicted to result in a loss or disruption of normal protein function through nonsense-mediated decay (NMD) or protein truncation. Multiple pathogenic variants are reported downstream of the variant. The variant has been reported at least twice as pathogenic without evidence for the classification (ClinVar ID: VCV000425593 /PMID: 9443882 /3billion dataset). Therefore, this variant is classified as Pathogenic according to the recommendation of ACMG/AMP guideline.

Clinical Biomedical Laboratory, Shriners Hospital For Children - Canada
Classification: Pathogenic for Osteogenesis imperfecta type I. Last evaluated: 2025-05-23. Review status: criteria provided, single submitter. Criteria: ACMG Guidelines, 2015. Collection method: clinical testing. Allele origin: germline. Affected: yes.
Comment: This variant introduces a premature stop codon in exon 17. Variants predicted to introduce termination codons lead to degradation of the affected transcript and haploinsufficiency of the alpha 1 chain of collagen type I. COL1A1 haploinsufficiency is a typical cause of OI type This variant is absent from the Genome Aggregation Database (v2.1.1). This specific variant has been reported in the literature (PMID 9443882).

ARUP Laboratories, Molecular Genetics and Genomics, ARUP Laboratories
Classification: Pathogenic. Last evaluated: 2025-02-20. Review status: criteria provided, single submitter. Criteria: ARUP Molecular Germline Variant Investigation Process 2024. Collection method: clinical testing. Allele origin: germline.
Comment: The COL1A1 c.1081C>T; p.Arg361Ter variant (rs72645366, ClinVar Variation ID: 425593), also known as Arg183Ter in traditional nomenclature, is reported in the literature in multiple individuals affected with osteogenesis imperfecta (OI) type I, including several individuals in which it was reported as de novo (Korkko 1998, Mei 2022, van Dijk 2011, Roschger 2008, Zhang 2012), OI type IV (Zhytnik 2019), and skeletal dysplasia (Li 2023, MacCarrick 2024). This variant is absent from the Genome Aggregation Database (v2.1.1), indicating it is not a common polymorphism. This variant induces an early termination codon and is predicted to result in a truncated protein or mRNA subject to nonsense-mediated decay. Based on available information, this variant is considered to be pathogenic. References: Korkko et al. Analysis of the COL1A1 and COL1A2 genes by PCR amplification and scanning by conformation-sensitive gel electrophoresis identifies only COL1A1 mutations in 15 patients with osteogenesis imperfecta type I: identification of common sequences of null-allele mutations. Am J Hum Genet. 1998 Jan;62(1):98-110. PMID: 9443882. Li et al. Clinical and genetic profiles of 985 Chinese families with skeletal dysplasia. Chin Med J (Engl). 2023 Jun 20;136(12):1485-1487. PMID:37334733. Liu et al. Delineation of dual molecular diagnosis in patients with skeletal deformity. Orphanet J Rare Dis. 2022 Mar 28;17(1):139. PMID: 35346302. MacCarrick et al. Clinical utility of comprehensive gene panel testing for common and rare causes of skeletal dysplasia and other skeletal disorders: Results from the largest cohort to date. Am J Med Genet A. 2024 Sep;194(9):e63646. PMID: 38702915 Mei et al. Comparing Clinical and Genetic Characteristics of De Novo and Inherited COL1A1/COL1A2 Variants in a Large Chinese Cohort of Osteogenesis Imperfecta. Front Endocrinol (Lausanne). 2022 Jul 14:13:935905. PMID: 35909573. Roschger et al. Evidence that abnormal high bone mineralization in growing children with osteogenesis imperfecta is not associated with specific collagen mutations. Calcif Tissue Int. 2008 Apr;82(4):263-70. PMID: 18311573. van Dijk et al. Osteogenesis Imperfecta: A Review with Clinical Examples. Mol Syndromol. 2011 Dec;2(1):1-20. PMID: 22570641. Zhang et al. The identification of novel mutations in COL1A1, COL1A2, and LEPRE1 genes in Chinese patients with osteogenesis imperfecta. J Bone Miner Metab. 2012 Jan;30(1):69-77. PMID: 21667357. Zhytnik et al. COL1A1/2 Pathogenic Variants and Phenotype Characteristics in Ukrainian Osteogenesis Imperfecta Patients. Front Genet. 2019 Aug 9:10:722. PMID: 31447884.

Laboratory of Medical Genetics, National & Kapodistrian University of Athens
Classification: Pathogenic for Osteogenesis imperfecta with normal sclerae, dominant form. Last evaluated: 2023-12-18. Review status: criteria provided, single submitter. Criteria: ACMG Guidelines, 2015. Collection method: clinical testing. Allele origin: de novo. Affected: yes.
Comment: PVS1, PS4, PM2, PP5 - The variant is expected to result in an absent or disrupted protein product. Low frequency in gnomAD population databases. This variant has been previously reported as causative for osteogenesis imperfecta. (PMID:30614853).

GeneDx
Classification: Pathogenic. Last evaluated: 2023-04-11. Review status: criteria provided, single submitter. Criteria: GeneDx Variant Classification Process June 2021. Collection method: clinical testing. Allele origin: germline. Affected: yes.
Comment: Nonsense variant predicted to result in protein truncation or nonsense mediated decay in a gene for which loss-of-function is a known mechanism of disease; Not observed in large population cohorts (gnomAD); This variant is associated with the following publications: (PMID: 34758253, 27748872, 22679784, 15024745, 12590186, 28035422, 22570641, 18311573, 25944380, 17392686, 31447884, 30614853, 21667357, 33470886, 35346302, 34358384, 32166892, 9443882)

Blueprint Genetics
Classification: Pathogenic for COL1A1-related disorders. Last evaluated: 2022-07-01. Review status: criteria provided, single submitter. Criteria: ACMG Guidelines, 2015. Collection method: clinical testing. Allele origin: germline. Affected: yes. Observed: 2 variant alleles.

Genome Diagnostics Laboratory, The Hospital for Sick Children
Classification: Pathogenic for Osteogenesis imperfecta. Last evaluated: 2022-05-25. Review status: criteria provided, single submitter. Criteria: ACMG Guidelines, 2015. Collection method: clinical testing. Allele origin: germline.

PreventionGenetics, part of Exact Sciences
Classification: Pathogenic for COL1A1-related condition. Last evaluated: 2024-05-08. Review status: no assertion criteria provided. Collection method: clinical testing. Allele origin: germline. Not counted in ClinVar's aggregate classification.
Comment: The COL1A1 c.1081C>T variant is predicted to result in premature protein termination (p.Arg361*). This variant is also known as p.Arg183* in the literature. This variant has been reported to be pathogenic for osteogenesis imperfecta (see example: Körkkö et al. 1998. PubMed ID: 9443882; Zhang et al. 2016. PubMed ID: 27748872). This variant has not been reported in a large population database, indicating this variant is rare. Nonsense variants in COL1A1 are expected to be pathogenic. This variant is interpreted as pathogenic.

Department of Medical Sciences, Uppsala University
Classification: Pathogenic for OI type I. Review status: no assertion criteria provided. Collection method: clinical testing. Allele origin: unknown. Affected: yes. Observed: 1 variant allele. Not counted in ClinVar's aggregate classification.

Genomics England Pilot Project, Genomics England
Classification: Pathogenic for Osteogenesis imperfecta, perinatal lethal. Review status: no assertion criteria provided. Criteria: ACGS Guidelines, 2016. Collection method: clinical testing. Allele origin: germline. Affected: yes. Not counted in ClinVar's aggregate classification.

Literature cited by the submitters: PubMed 7942841 (cited by Labcorp Genetics (formerly Invitae), Labcorp); PubMed 9295084 (cited by Labcorp Genetics (formerly Invitae), Labcorp); PubMed 9443882 (cited by 3 submitters); PubMed 12590186 (cited by Labcorp Genetics (formerly Invitae), Labcorp); PubMed 15024745 (cited by Labcorp Genetics (formerly Invitae), Labcorp); PubMed 18311573 (cited by Labcorp Genetics (formerly Invitae), Labcorp); PubMed 21667357 (cited by Labcorp Genetics (formerly Invitae), Labcorp); PubMed 22570641 (cited by Labcorp Genetics (formerly Invitae), Labcorp); PubMed 25944380 (cited by Department of Medical Sciences, Uppsala University).

NM_000088.4(COL1A1):c.1081C>T (p.Arg361Ter)

Gene: COL1A1 (collagen type I alpha 1 chain; minus strand). Cytogenetic location: 17q21.33.
Variant type: single nucleotide variant.
Coding change: c.1081C>T on transcript NM_000088.4 (MANE Select); coding-DNA position 1081, C replaced by T.
Protein change: p.Arg361Ter; replaces arginine 361 with a stop codon.
Molecular consequence: nonsense.
Genome position (GRCh38, 1-based): chr17:50,195,641, G>A on the plus strand (C>T on the coding strand, the complement: COL1A1 is on the minus strand). VCF-style: chr17-50195641-G-A. GRCh37 (hg19) VCF-style: chr17-48273002-G-A.
Other names: c.1081C>T (LRG_1t1); short protein forms R361*.
Identifiers: ClinVar variation 425593 (VCV000425593.28), dbSNP rs72645366, ClinGen allele CA291546898.